The following is an entry in ClinVar:

NM_001377530.1(DMBT1):c.6624A>T (p.Arg2208=)

Gene: DMBT1 (deleted in malignant brain tumors 1; plus strand). Cytogenetic location: 10q26.13.
Variant type: single nucleotide variant.
Coding change: c.6624A>T on transcript NM_001377530.1 (MANE Select); coding-DNA position 6624, A replaced by T.
Protein change: p.Arg2208=; no amino-acid change (arginine 2208 retained).
Molecular consequence: synonymous variant.
Genome position (GRCh38, 1-based): chr10:122,636,066, A>T. VCF-style: chr10-122636066-A-T. GRCh37 (hg19) VCF-style: chr10-124395582-A-T.
Other names: c.6234A>T, p.Arg2078= (NM_001320644.2); c.4353A>T, p.Arg1451= (NM_004406.3); c.6237A>T, p.Arg2079= (NM_007329.3); c.6207A>T, p.Arg2069= (NM_017579.3).
Identifiers: ClinVar variation 3058129 (VCV003058129.2), dbSNP rs373868062, ClinGen allele CA5728332.
Genomic context (GRCh38, chr10:122,636,066, plus strand): 5'-CAACTATGATTATATTGAAGTTTTCGATGGCCCCTACCGCAGTTCCCCTCTCATTGCTCG[A>T]GTTTGTGATGGGGCCAGAGGCTCCTTCACTTCTTCCTCCAACTTCATGTCCATTCGCTTC-3'
Protein context (NP_001364459.1, residues 2198-2218): GPYRSSPLIA[Arg2208=]VCDGARGSFT

ClinVar aggregate classification (germline): Likely benign (0 of 4 stars; one submission).

Conditions:
DMBT1-related disorder. Also called: DMBT1-related condition.

Allele frequency attached by ClinVar (database versions not stated): gnomAD exomes 0.00003; ExAC 0.00012; gnomAD 0.00045; TOPMed 0.00046; ESP Exome Variant Server 0.00057; 1000 Genomes Project 0.00060; 1000 Genomes Project 30x 0.00062.
gnomAD v4.1: 117 of 1,613,900 alleles (0.0072%); highest among the groups gnomAD compares: African/African-American, 0.14%; 1 homozygote.

Submission:

PreventionGenetics, part of Exact Sciences
Classification: Likely benign for DMBT1-related condition. Last evaluated: 2019-03-26. Review status: no assertion criteria provided. Collection method: clinical testing. Allele origin: germline.
Comment: This variant is classified as likely benign based on ACMG/AMP sequence variant interpretation guidelines (Richards et al. 2015 PMID: 25741868, with internal and published modifications).